The following is an entry in ClinVar:

NM_025132.4(WDR19):c.621C>T (p.Gly207=)

Gene: WDR19 (WD repeat domain 19; plus strand). Cytogenetic location: 4p14.
Variant type: single nucleotide variant.
Coding change: c.621C>T on transcript NM_025132.4 (MANE Select); coding-DNA position 621, C replaced by T.
Protein change: p.Gly207=; no amino-acid change (glycine 207 retained).
Molecular consequence: synonymous variant.
Genome position (GRCh38, 1-based): chr4:39,205,171, C>T. VCF-style: chr4-39205171-C-T. GRCh37 (hg19) VCF-style: chr4-39206791-C-T.
Other names: c.141C>T, p.Gly47= (NM_001317924.2).
Identifiers: ClinVar variation 1438685 (VCV001438685.8), dbSNP rs1330119254, ClinGen allele CA438938915.

ClinVar aggregate classification (germline): Uncertain significance (1 of 4 stars; one submission).

Conditions:
Asphyxiating thoracic dystrophy 5 (SRTD5). Also called: SHORT-RIB THORACIC DYSPLASIA 5 WITH OR WITHOUT POLYDACTYLY; SHORT-RIB THORACIC DYSPLASIA 5 WITHOUT POLYDACTYLY. Identifiers: Orphanet 474, MedGen C3280598, MONDO:0013717, OMIM 614376.
Senior-Loken syndrome 8 (SLSN8). Identifiers: Orphanet 3156, MedGen C4225376, MONDO:0014579, OMIM 616307.

Allele frequency attached by ClinVar (database versions not stated): TOPMed below 0.00001; gnomAD 0.00001.
gnomAD v4.1: 1 of 1,589,846 alleles (0.000063%); highest among the groups gnomAD compares: Non-Finnish European, 0.000086%; no homozygotes.

Submission:

Labcorp Genetics (formerly Invitae), Labcorp
Classification: Uncertain significance for Senior-Loken syndrome 8; Asphyxiating thoracic dystrophy 5. Last evaluated: 2021-06-22. Review status: criteria provided, single submitter. Criteria: Invitae Variant Classification Sherloc (09022015). Collection method: clinical testing. Allele origin: germline.
Comment: This sequence change affects codon 207 of the WDR19 mRNA. It is a 'silent' change, meaning that it does not change the encoded amino acid sequence of the WDR19 protein. This variant is not present in population databases (ExAC no frequency). This variant has not been reported in the literature in individuals affected with WDR19-related conditions. Algorithms developed to predict the effect of sequence changes on RNA splicing suggest that this variant may create or strengthen a splice site. In summary, the available evidence is currently insufficient to determine the role of this variant in disease. Therefore, it has been classified as a Variant of Uncertain Significance.